The following is an entry in ClinVar:

ClinVar aggregate classification (germline): Uncertain significance (1 of 4 stars; one submission).

Submission:

GeneDx
Classification: Uncertain significance. Last evaluated: 2026-09-25. Review status: criteria provided, single submitter. Criteria: GeneDx Variant Classification Process June 2021. Collection method: clinical testing. Allele origin: germline.
Comment: In silico analysis supports a deleterious effect on splicing; Has not been previously published as pathogenic or benign to our knowledge; No data available from control populations to assess the frequency of this variant; Located in a regulatory region; in the absence of functional studies, the actual effect of this sequence change is unknown

NM_001371928.1(AHDC1):c.-112-1G>A

Gene: AHDC1 (AT-hook DNA binding motif containing 1; minus strand). Cytogenetic location: 1p36.11.
Variant type: single nucleotide variant.
Coding change: c.-112-1G>A on transcript NM_001371928.1 (MANE Select); the canonical splice acceptor site of the intron before 112 bases upstream of the start codon, G replaced by A.
Molecular consequence: splice acceptor variant.
Genome position (GRCh38, 1-based): chr1:27,552,930, C>T on the plus strand (G>A on the coding strand, the complement: AHDC1 is on the minus strand). VCF-style: chr1-27552930-C-T. GRCh37 (hg19) VCF-style: chr1-27879441-C-T.
Other names: c.-112-1G>A (NM_001029882.3).
Identifiers: ClinVar variation 3390738 (VCV003390738.2).